The following is an entry in ClinVar:

ClinVar aggregate classification (germline): Pathogenic (1 of 4 stars; one submission).

Conditions:
Schimke immuno-osseous dysplasia (SIOD). Also called: Schimke Immunoosseous Dysplasia. Identifiers: Orphanet 1830, MedGen C0877024, MONDO:0009458, OMIM 242900.

gnomAD v4.1: 1 of 1,614,204 alleles (0.000062%); highest among the groups gnomAD compares: Non-Finnish European, 0.000085%; no homozygotes.

Submission:

Labcorp Genetics (formerly Invitae), Labcorp
Classification: Pathogenic for Schimke immuno-osseous dysplasia. Last evaluated: 2022-03-14. Review status: criteria provided, single submitter. Criteria: Invitae Variant Classification Sherloc (09022015). Collection method: clinical testing. Allele origin: germline.
Comment: For these reasons, this variant has been classified as Pathogenic. This variant has not been reported in the literature in individuals affected with SMARCAL1-related conditions. This sequence change creates a premature translational stop signal (p.Gln128*) in the SMARCAL1 gene. It is expected to result in an absent or disrupted protein product. Loss-of-function variants in SMARCAL1 are known to be pathogenic (PMID: 11799392, 20301550). This variant is not present in population databases (gnomAD no frequency).

Literature cited by the submitters: PubMed 11799392; PubMed 20301550.

NM_014140.4(SMARCAL1):c.382C>T (p.Gln128Ter)

Gene: SMARCAL1 (SNF2 related chromatin remodeling annealing helicase 1; plus strand). Cytogenetic location: 2q35.
Variant type: single nucleotide variant.
Coding change: c.382C>T on transcript NM_014140.4 (MANE Select); coding-DNA position 382, C replaced by T.
Protein change: p.Gln128Ter; replaces glutamine 128 with a stop codon.
Molecular consequence: nonsense.
Genome position (GRCh38, 1-based): chr2:216,415,086, C>T. VCF-style: chr2-216415086-C-T. GRCh37 (hg19) VCF-style: chr2-217279809-C-T.
Other names: c.382C>T, p.Gln128Ter (NM_001127207.2); short protein forms Q128*.
Identifiers: ClinVar variation 2111849 (VCV002111849.4), dbSNP rs762590281, ClinGen allele CA350497174.
Genomic context (GRCh38, chr2:216,415,086, plus strand): 5'-TGCCCAGGCCACAGTCCACGTAGTCAAATGGCTCTCACTGGAATCTCTCCTCCCTTGGCA[C>T]AAAGTCCTCCAGAGGTCCCTAAACAACAGCTCTTGAGTTATGAGTTAGGTCAAGGTCATG-3'